The following is an entry in ClinVar:

ClinVar aggregate classification (germline): Benign/Likely benign. Review status: criteria provided, multiple submitters, no conflicts (2 of 4 stars). 4 submissions from 4 submitters: Benign (1); Likely benign (2). 1 of the submissions does not count toward it. Last evaluated 2026-01-23.

Conditions:
TCF3-related disorder. Also called: TCF3-related condition.

Allele frequency attached by ClinVar (database versions not stated): ExAC 0.00058; ESP Exome Variant Server 0.00100; gnomAD 0.00124 and 0.00135; 1000 Genomes Project 30x 0.00125; TOPMed 0.00139; 1000 Genomes Project 0.00140.

Submissions (4):

Women's Health and Genetics/Laboratory Corporation of America, LabCorp
Classification: Likely benign. Last evaluated: 2026-01-23. Review status: criteria provided, single submitter. Criteria: LabCorp Variant Classification Summary - May 2015. Collection method: clinical testing. Allele origin: germline.

Labcorp Genetics (formerly Invitae), Labcorp
Classification: Benign. Last evaluated: 2025-12-30. Review status: criteria provided, single submitter. Criteria: Invitae Variant Classification Sherloc (09022015). Collection method: clinical testing. Allele origin: germline.

Blueprint Genetics
Classification: Likely benign. Last evaluated: 2024-03-09. Review status: criteria provided, single submitter. Criteria: ACMG Guidelines, 2015. Collection method: clinical testing. Allele origin: germline.

PreventionGenetics, part of Exact Sciences
Classification: Likely benign for TCF3-related condition. Last evaluated: 2019-11-25. Review status: no assertion criteria provided. Collection method: clinical testing. Allele origin: germline. Not counted in ClinVar's aggregate classification.
Comment: This variant is classified as likely benign based on ACMG/AMP sequence variant interpretation guidelines (Richards et al. 2015 PMID: 25741868, with internal and published modifications).

NM_003200.5(TCF3):c.1524G>A (p.Thr508=)

Gene: TCF3 (transcription factor 3; minus strand). Cytogenetic location: 19p13.3.
Variant type: single nucleotide variant.
Coding change: c.1524G>A on transcript NM_003200.5 (MANE Select); coding-DNA position 1524, G replaced by A.
Protein change: p.Thr508=; no amino-acid change (threonine 508 retained).
Molecular consequence: synonymous variant.
Genome position (GRCh38, 1-based): chr19:1,615,748, C>T on the plus strand (G>A on the coding strand, the complement: TCF3 is on the minus strand). VCF-style: chr19-1615748-C-T. GRCh37 (hg19) VCF-style: chr19-1615747-C-T.
Other names: c.1524G>A (NM_003200.3); c.1524G>A, p.Thr508= (NM_001136139.4, NM_001351779.2); c.1521G>A, p.Thr507= (NM_001351778.2).
Identifiers: ClinVar variation 1169612 (VCV001169612.13), dbSNP rs146126608, ClinGen allele CA9049784.